The following is an entry in ClinVar:

NM_020975.6(RET):c.3179A>G (p.Lys1060Arg)

Gene: RET (ret proto-oncogene; plus strand). Cytogenetic location: 10q11.21.
Variant type: single nucleotide variant.
Coding change: c.3179A>G on transcript NM_020975.6 (MANE Select); coding-DNA position 3179, A replaced by G.
Protein change: p.Lys1060Arg; replaces lysine 1060 with arginine.
Molecular consequence: missense variant.
Genome position (GRCh38, 1-based): chr10:43,126,714, A>G. VCF-style: chr10-43126714-A-G. GRCh37 (hg19) VCF-style: chr10-43622162-A-G.
Other names: c.2741A>G, p.Lys914Arg (NM_001406771.1, NM_001406773.1); c.2783A>G, p.Lys928Arg (NM_001406772.1, NM_001406769.1); c.2654A>G, p.Lys885Arg (NM_001406774.1); c.2453A>G, p.Lys818Arg (NM_001406775.1, NM_001406776.1, NM_001406778.1); c.2282A>G, p.Lys761Arg (NM_001406779.1, NM_001406780.1, NM_001406781.1 and 1 more transcripts); c.3179A>G, p.Lys1060Arg (NM_000323.2, NM_001406743.1, NM_001406744.1 and 2 more transcripts); c.2417A>G, p.Lys806Arg (NM_001355216.2); c.3050A>G, p.Lys1017Arg (NM_001406761.1, NM_001406762.1, NM_001406764.1); and 10 more; short protein forms K806R, K1060R, K1015R, K625R, K718R, K761R, K885R, K972R.
Identifiers: ClinVar variation 1385324 (VCV001385324.16), dbSNP rs370756353, ClinGen allele CA206267864.

ClinVar aggregate classification (germline): Uncertain significance. Review status: criteria provided, multiple submitters, no conflicts (2 of 4 stars). 5 submissions from 5 submitters: Uncertain significance (5). Last evaluated 2025-11-12.

Conditions:
Multiple endocrine neoplasia type 2B. Also called: Multiple endocrine neoplasia, type 3; MULTIPLE ENDOCRINE NEOPLASIA, TYPE IIB; MEN IIB; NEUROMATA, MUCOSAL, WITH ENDOCRINE TUMORS; WAGENMANN-FROBOESE SYNDROME; MULTIPLE ENDOCRINE NEOPLASIA, TYPE III. Identifiers: Orphanet 247709, Orphanet 653, MedGen C0025269, MeSH D018814, MONDO:0008082, OMIM 162300.
Pheochromocytoma. Also called: MAX-Related Hereditary Paraganglioma-Pheochromocytoma Syndrome. Identifiers: Orphanet 29072, MedGen C0031511, MONDO:0008233, OMIM 171300, HP:0002666.
Familial medullary thyroid carcinoma (MTC). Also called: Familial Medullary Thyroid Carcinoma (FMTC); Thyroid cancer, familial medullary; MTC, familial. Identifiers: Orphanet 653, Orphanet 99361, MedGen C1833921, MONDO:0007958, OMIM 155240.
Hirschsprung disease, susceptibility to, 1 (HSCR1). Also called: RET-Related Hirschsprung Disease. Identifiers: Orphanet 388, MedGen C3888239, MONDO:0007723, OMIM 142623.
Multiple endocrine neoplasia type 2A. Also called: Multiple Endocrine Neoplasia Type 2A (MEN2A); MULTIPLE ENDOCRINE NEOPLASIA, TYPE IIA; PTC SYNDROME; SIPPLE SYNDROME; MEN 2A; MEN-2A syndrome. Identifiers: Orphanet 247698, Orphanet 653, MedGen C0025268, MeSH D018813, MONDO:0008234, OMIM 171400.
Hereditary cancer-predisposing syndrome. Also called: Neoplastic Syndromes, Hereditary; Tumor predisposition; Hereditary Cancer Syndrome; Hereditary neoplastic syndrome. Identifiers: Orphanet 140162, MedGen C0027672, MeSH D009386, MONDO:0015356.
Multiple endocrine neoplasia, type 2 (MEN2). Identifiers: Orphanet 653, MedGen C4048306, MONDO:0019003. Disease mechanism: gain of function.

Allele frequency attached by ClinVar (database versions not stated): gnomAD exomes below 0.00001; gnomAD 0.00001; TOPMed 0.00001; ESP Exome Variant Server 0.00008.
gnomAD v4.1: 5 of 1,613,830 alleles (0.00031%); highest among the groups gnomAD compares: Admixed American, 0.0017%; no homozygotes.

Submissions (5):

Ambry Genetics
Classification: Uncertain significance for Hereditary cancer-predisposing syndrome. Last evaluated: 2025-11-12. Review status: criteria provided, single submitter. Criteria: Ambry Variant Classification Scheme 2023. Collection method: clinical testing. Allele origin: germline.
Comment: The p.K1060R variant (also known as c.3179A>G), located in coding exon 19 of the RET gene, results from an A to G substitution at nucleotide position 3179. The lysine at codon 1060 is replaced by arginine, an amino acid with highly similar properties. This amino acid position is highly conserved in available vertebrate species. In addition, the in silico prediction for this alteration is inconclusive. Based on the available evidence, the clinical significance of this variant remains unclear.

Labcorp Genetics (formerly Invitae), Labcorp
Classification: Uncertain significance for Multiple endocrine neoplasia, type 2. Last evaluated: 2025-06-29. Review status: criteria provided, single submitter. Criteria: Invitae Variant Classification Sherloc (09022015). Collection method: clinical testing. Allele origin: germline.
Comment: This sequence change replaces lysine, which is basic and polar, with arginine, which is basic and polar, at codon 1060 of the RET protein (p.Lys1060Arg). This variant is not present in population databases (gnomAD no frequency). This variant has not been reported in the literature in individuals affected with RET-related conditions. ClinVar contains an entry for this variant (Variation ID: 1385324). An algorithm developed to predict the effect of missense changes on protein structure and function (PolyPhen-2) suggests that this variant is likely to be tolerated. In summary, the available evidence is currently insufficient to determine the role of this variant in disease. Therefore, it has been classified as a Variant of Uncertain Significance.

Quest Diagnostics Nichols Institute San Juan Capistrano
Classification: Uncertain significance. Last evaluated: 2024-11-19. Review status: criteria provided, single submitter. Criteria: Quest Diagnostics criteria. Collection method: clinical testing. Allele origin: unknown.
Comment: The RET c.3179A>G (p.Lys1060Arg) variant has not been reported in individuals with RET-related conditions in the published literature. The frequency of this variant in the general population, 0.000065 (1/15270 chromosomes (Genome Aggregation Database)), is uninformative in the assessment of its pathogenicity. Analysis of this variant using bioinformatics tools for the prediction of the effect of amino acid changes on protein structure and function yielded predictions that this variant is damaging. Based on the available information, we are unable to determine the clinical significance of this variant.

All of Us Research Program, National Institutes of Health
Classification: Uncertain significance for Multiple endocrine neoplasia, type 2. Last evaluated: 2024-05-09. Review status: criteria provided, single submitter. Criteria: ACMG Guidelines, 2015. Collection method: clinical testing. Allele origin: germline. Inheritance: Autosomal dominant inheritance. Observed: 3 variant alleles, 3 heterozygotes.
Comment: This missense variant replaces lysine with arginine at codon 1060 of the RET protein. Computational prediction is inconclusive regarding the impact of this variant on protein structure and function (internally defined REVEL score threshold 0.5 < inconclusive < 0.7, PMID: 27666373). To our knowledge, functional studies have not been reported for this variant. This variant has not been reported in individuals affected with hereditary cancer in the literature. This variant has not been identified in the general population by the Genome Aggregation Database (gnomAD). The available evidence is insufficient to determine the role of this variant in disease conclusively. Therefore, this variant is classified as a Variant of Uncertain Significance.

This study involves interpretation of variants in research participants for the purpose of population health screening. Participant phenotype was not available at the time of variant classification. Additional details can be found in publication PMID: 35346344, PMCID: PMC8962531

Fulgent Genetics
Classification: Uncertain significance for Hirschsprung disease, susceptibility to, 1; Familial medullary thyroid carcinoma; Multiple endocrine neoplasia type 2B; Pheochromocytoma; Multiple endocrine neoplasia type 2A. Last evaluated: 2022-02-11. Review status: criteria provided, single submitter. Criteria: ACMG Guidelines, 2015. Collection method: clinical testing. Allele origin: unknown.